The following is an entry in ClinVar:

NM_001375808.2(LPIN2):c.944C>T (p.Ala315Val)

Gene: LPIN2 (lipin 2; minus strand). Cytogenetic location: 18p11.31.
Variant type: single nucleotide variant.
Coding change: c.944C>T on transcript NM_001375808.2 (MANE Select); coding-DNA position 944, C replaced by T.
Protein change: p.Ala315Val; replaces alanine 315 with valine.
Molecular consequence: missense variant.
Genome position (GRCh38, 1-based): chr18:2,937,916, G>A on the plus strand (C>T on the coding strand, the complement: LPIN2 is on the minus strand). VCF-style: chr18-2937916-G-A. GRCh37 (hg19) VCF-style: chr18-2937914-G-A.
Other names: c.944C>T, p.Ala315Val (NM_001375809.1, NM_014646.2); short protein forms A315V.
Identifiers: ClinVar variation 1020995 (VCV001020995.10), dbSNP rs777659252, ClinGen allele CA8873243.

ClinVar aggregate classification (germline): Uncertain significance. Review status: criteria provided, multiple submitters, no conflicts (2 of 4 stars). 3 submissions from 3 submitters: Uncertain significance (3). Last evaluated 2024-12-06.

Conditions:
Majeed syndrome (MJDS). Also called: CHRONIC RECURRENT MULTIFOCAL OSTEOMYELITIS 1, WITH CONGENITAL DYSERYTHROPOIETIC ANEMIA, WITH OR WITHOUT NEUTROPHILIC DERMATOSIS; LPIN2-Related Majeed Syndrome. Identifiers: Orphanet 77297, MedGen C1864997, MONDO:0012316, OMIM 609628.
Autoinflammatory syndrome. Identifiers: Orphanet 93665, MedGen C3890737, MONDO:0019751.
Inborn genetic diseases. Identifiers: MedGen C0950123, MeSH D030342.

Allele frequency attached by ClinVar (database versions not stated): gnomAD 0.00001; gnomAD exomes 0.00001 and 0.00002; TOPMed 0.00002; ExAC 0.00003.
gnomAD v4.1: 22 of 1,614,034 alleles (0.0014%); highest among the groups gnomAD compares: Non-Finnish European, 0.0017%; no homozygotes.

Submissions (3):

Ambry Genetics
Classification: Uncertain significance for Inborn genetic diseases. Last evaluated: 2024-12-06. Review status: criteria provided, single submitter. Criteria: Ambry Variant Classification Scheme 2023. Collection method: clinical testing. Allele origin: germline.

Labcorp Genetics (formerly Invitae), Labcorp
Classification: Uncertain significance for Majeed syndrome. Last evaluated: 2021-09-01. Review status: criteria provided, single submitter. Criteria: Invitae Variant Classification Sherloc (09022015). Collection method: clinical testing. Allele origin: germline.
Comment: This sequence change replaces alanine with valine at codon 315 of the LPIN2 protein (p.Ala315Val). The alanine residue is weakly conserved and there is a small physicochemical difference between alanine and valine. This variant is present in population databases (rs777659252, ExAC 0.006%). This variant has not been reported in the literature in individuals affected with LPIN2-related conditions. Algorithms developed to predict the effect of missense changes on protein structure and function output the following: SIFT: "Tolerated"; PolyPhen-2: "Benign"; Align-GVGD: "Class C0". The valine amino acid residue is found in multiple mammalian species, which suggests that this missense change does not adversely affect protein function. In summary, the available evidence is currently insufficient to determine the role of this variant in disease. Therefore, it has been classified as a Variant of Uncertain Significance.

Genome Diagnostics Laboratory, The Hospital for Sick Children
Classification: Uncertain significance for Autoinflammatory syndrome. Last evaluated: 2018-02-02. Review status: criteria provided, single submitter. Criteria: ACMG Guidelines, 2015. Collection method: clinical testing. Allele origin: germline. Affected: yes.